The following is an entry in ClinVar:

ClinVar aggregate classification (germline): Conflicting classifications of pathogenicity. Review status: criteria provided, conflicting classifications (1 of 4 stars). 3 submissions from 3 submitters: Uncertain significance (2); Likely benign (1). Last evaluated 2025-07-31.

Conditions:
Inborn genetic diseases. Identifiers: MedGen C0950123, MeSH D030342.
Methylmalonic acidemia with homocystinuria, type cblJ (MAHCJ). Also called: METHYLMALONIC ACIDURIA AND HOMOCYSTINURIA, cblJ TYPE. Identifiers: Orphanet 369955, MedGen C3553915, MONDO:0013925, OMIM 614857.

Allele frequency attached by ClinVar (database versions not stated): gnomAD exomes 0.00002 and 0.00005; ExAC 0.00008; ESP Exome Variant Server 0.00023; gnomAD 0.00025 and 0.00029; TOPMed 0.00029; 1000 Genomes Project 30x 0.00047; 1000 Genomes Project 0.00060.

Submissions (3):

Ambry Genetics
Classification: Likely benign for Inborn genetic diseases. Last evaluated: 2025-07-31. Review status: criteria provided, single submitter. Criteria: Ambry Variant Classification Scheme 2023. Collection method: clinical testing. Allele origin: germline.

GeneDx
Classification: Uncertain significance. Last evaluated: 2023-01-11. Review status: criteria provided, single submitter. Criteria: GeneDx Variant Classification Process June 2021. Collection method: clinical testing. Allele origin: germline. Affected: yes.
Comment: In silico analysis supports that this missense variant has a deleterious effect on protein structure/function; Has not been previously published as pathogenic or benign to our knowledge

Labcorp Genetics (formerly Invitae), Labcorp
Classification: Uncertain significance for Methylmalonic acidemia with homocystinuria, type cblJ. Last evaluated: 2022-07-11. Review status: criteria provided, single submitter. Criteria: Invitae Variant Classification Sherloc (09022015). Collection method: clinical testing. Allele origin: germline.
Comment: This sequence change replaces glutamine, which is neutral and polar, with leucine, which is neutral and non-polar, at codon 530 of the ABCD4 protein (p.Gln530Leu). This variant is present in population databases (rs142696207, gnomAD 0.05%). This variant has not been reported in the literature in individuals affected with ABCD4-related conditions. ClinVar contains an entry for this variant (Variation ID: 1418289). Advanced modeling of protein sequence and biophysical properties (such as structural, functional, and spatial information, amino acid conservation, physicochemical variation, residue mobility, and thermodynamic stability) performed at Invitae indicates that this missense variant is expected to disrupt ABCD4 protein function. In summary, the available evidence is currently insufficient to determine the role of this variant in disease. Therefore, it has been classified as a Variant of Uncertain Significance.

NM_005050.4(ABCD4):c.1589A>T (p.Gln530Leu)

Gene: ABCD4 (ATP binding cassette subfamily D member 4; minus strand). Cytogenetic location: 14q24.3.
Variant type: single nucleotide variant.
Coding change: c.1589A>T on transcript NM_005050.4 (MANE Select); coding-DNA position 1589, A replaced by T.
Protein change: p.Gln530Leu; replaces glutamine 530 with leucine.
Molecular consequence: missense variant. On other transcripts: non-coding transcript variant (10).
Genome position (GRCh38, 1-based): chr14:74,287,857, T>A on the plus strand (A>T on the coding strand, the complement: ABCD4 is on the minus strand). VCF-style: chr14-74287857-T-A. GRCh37 (hg19) VCF-style: chr14-74754560-T-A.
Other names: c.1589A>T (NM_005050.3); c.1463A>T, p.Gln488Leu (NM_001353591.2, NM_001353592.2); c.1328A>T, p.Gln443Leu (NM_001353593.2); c.1277A>T, p.Gln426Leu (NM_001353594.2); c.1175A>T, p.Gln392Leu (NM_001353595.2, NM_001353596.2); c.1124A>T, p.Gln375Leu (NM_001353597.2); c.1112A>T, p.Gln371Leu (NM_001353598.2, NM_001353599.2, NM_001353600.2 and 2 more transcripts); c.800A>T, p.Gln267Leu (NM_001353602.2, NM_001353603.2, NM_001353604.2 and 5 more transcripts); and 2 more; short protein forms Q375L, Q530L, N286Y, Q488L, Q267L, Q371L, Q392L, Q426L.
Identifiers: ClinVar variation 1418289 (VCV001418289.4), dbSNP rs142696207, ClinGen allele CA7266681.